The following is an entry in ClinVar:

NM_001031710.3(KLHL7):c.1578T>C (p.Val526=)

Gene: KLHL7 (kelch like family member 7; plus strand). Cytogenetic location: 7p15.3.
Variant type: single nucleotide variant.
Coding change: c.1578T>C on transcript NM_001031710.3 (MANE Select); coding-DNA position 1578, T replaced by C.
Protein change: p.Val526=; no amino-acid change (valine 526 retained).
Molecular consequence: synonymous variant. On other transcripts: non-coding transcript variant (1).
Genome position (GRCh38, 1-based): chr7:23,174,115, T>C. VCF-style: chr7-23174115-T-C. GRCh37 (hg19) VCF-style: chr7-23213734-T-C.
Other names: c.1434T>C, p.Val478= (NM_018846.5).
Identifiers: ClinVar variation 359801 (VCV000359801.15), dbSNP rs113256550, ClinGen allele CA4186651.

ClinVar aggregate classification (germline): Benign. Review status: criteria provided, multiple submitters, no conflicts (2 of 4 stars). 2 submissions from 2 submitters: Benign (2). Last evaluated 2026-02-01.

Conditions:
Retinitis pigmentosa (RP). Identifiers: Orphanet 791, MedGen C0035334, MeSH D012174, MONDO:0019200, OMIM 268000. Inheritance: Autosomal dominant, autosomal recessive and X linked inheritance.

Allele frequency attached by ClinVar (database versions not stated): ExAC 0.00750; gnomAD 0.01851 and 0.01964; 1000 Genomes Project 30x 0.02295; gnomAD exomes 0.00448 and 0.00665; TOPMed 0.02052; 1000 Genomes Project 0.02196; ESP Exome Variant Server 0.02284.
gnomAD v4.1: 9,506 of 1,614,196 alleles (0.59%); highest among the groups gnomAD compares: African/African-American, 5.7%; 123 homozygotes.

Submissions (2):

Labcorp Genetics (formerly Invitae), Labcorp
Classification: Benign. Last evaluated: 2026-02-01. Review status: criteria provided, single submitter. Criteria: Invitae Variant Classification Sherloc (09022015). Collection method: clinical testing. Allele origin: germline.

Illumina Laboratory Services, Illumina
Classification: Benign for Retinitis pigmentosa. Last evaluated: 2018-01-13. Review status: criteria provided, single submitter. Criteria: ICSL Variant Classification Criteria 13 December 2019. Collection method: clinical testing. Allele origin: germline.
Comment: This variant was observed in the ICSL laboratory as part of a predisposition screen in an ostensibly healthy population. It had not been previously curated by ICSL or reported in the Human Gene Mutation Database (HGMD: prior to June 1st, 2018), and was therefore a candidate for classification through an automated scoring system. Utilizing variant allele frequency, disease prevalence and penetrance estimates, and inheritance mode, an automated score was calculated to assess if this variant is too frequent to cause the disease. Based on the score and internal cut-off values, a variant classified as benign is not then subjected to further curation. The score for this variant resulted in a classification of benign for this disease.